The following is an entry in ClinVar:

ClinVar aggregate classification (germline): Likely benign (0 of 4 stars; one submission).

Conditions:
JAG2-related disorder. Also called: JAG2-related condition.

Allele frequency attached by ClinVar (database versions not stated): gnomAD 0.00012; TOPMed 0.00028; ExAC 0.00039; gnomAD exomes 0.00010.
gnomAD v4.1: 158 of 1,609,364 alleles (0.0098%); highest among the groups gnomAD compares: Admixed American, 0.24%; 4 homozygotes.

Submission:

PreventionGenetics, part of Exact Sciences
Classification: Likely benign for JAG2-related condition. Last evaluated: 2023-02-27. Review status: no assertion criteria provided. Collection method: clinical testing. Allele origin: germline.
Comment: This variant is classified as likely benign based on ACMG/AMP sequence variant interpretation guidelines (Richards et al. 2015 PMID: 25741868, with internal and published modifications).

NM_002226.5(JAG2):c.1753+8G>A

Gene: JAG2 (jagged canonical Notch ligand 2; minus strand). Cytogenetic location: 14q32.33.
Variant type: single nucleotide variant.
Coding change: c.1753+8G>A on transcript NM_002226.5 (MANE Select); 8 bases into the intron after coding-DNA position 1753, G replaced by A.
Molecular consequence: intron variant.
Genome position (GRCh38, 1-based): chr14:105,149,162, C>T on the plus strand (G>A on the coding strand, the complement: JAG2 is on the minus strand). VCF-style: chr14-105149162-C-T. GRCh37 (hg19) VCF-style: chr14-105615499-C-T.
Other names: c.1639+8G>A (NM_145159.3).
Identifiers: ClinVar variation 3050941 (VCV003050941.2), dbSNP rs749297498, ClinGen allele CA7385901.